The following is an entry in ClinVar:

NM_033641.4(COL4A6):c.4189G>C (p.Gly1397Arg)

Gene: COL4A6 (collagen type IV alpha 6 chain; minus strand). Cytogenetic location: Xq22.3.
Variant type: single nucleotide variant.
Coding change: c.4189G>C on transcript NM_033641.4 (MANE Select); coding-DNA position 4189, G replaced by C.
Protein change: p.Gly1397Arg; replaces glycine 1397 with arginine.
Molecular consequence: missense variant.
Genome position (GRCh38, 1-based): chrX:108,162,919, C>G on the plus strand (G>C on the coding strand, the complement: COL4A6 is on the minus strand). VCF-style: chrX-108162919-C-G. GRCh37 (hg19) VCF-style: chrX-107406149-C-G.
Other names: c.4240G>C, p.Gly1414Arg (NM_001287758.2); c.4117G>C, p.Gly1373Arg (NM_001287759.2); c.4018G>C, p.Gly1340Arg (NM_001287760.2); c.4192G>C, p.Gly1398Arg (NM_001847.4); short protein forms G1340R, G1373R, G1397R, G1398R, G1414R.
Identifiers: ClinVar variation 5041603 (VCV005041603.1).

ClinVar aggregate classification (germline): Uncertain significance (1 of 4 stars; one submission).

Submission:

CeGaT Center for Human Genetics Tuebingen
Classification: Uncertain significance. Last evaluated: 2026-09-01. Review status: criteria provided, single submitter. Criteria: CeGaT Center For Human Genetics Tuebingen Variant Classification Criteria Version 2. Collection method: clinical testing. Allele origin: germline. Affected: yes. Observed: 1 variant allele.
Comment: COL4A6: PM2, PP3